The following is an entry in ClinVar:

ClinVar aggregate classification (germline): Pathogenic/Likely pathogenic. Review status: criteria provided, multiple submitters, no conflicts (2 of 4 stars). 10 submissions from 10 submitters: Pathogenic (7); Likely pathogenic (2). 1 of the submissions does not count toward it. Last evaluated 2026-01-28.

Conditions:
Infantile GM1 gangliosidosis. Also called: Gangliosidosis, Generalized GM1, Type 1; GM1 gangliosidosis type 1; GM1-gangliosidosis, type I; Gangliosidosis, generalized GM1, infantile form; GLB1 deficiency. Identifiers: Orphanet 354, Orphanet 79255, MedGen C0268271, MONDO:0009260, OMIM 230500.
Mucopolysaccharidosis, MPS-IV-B (MPS4B). Also called: Mucopolysaccharidosis type IV B; MORQUIO SYNDROME B; Mucopolysaccharidosis Type IVB; Mucopolysaccharidosis Type IVB (Morquio B Disease); Mucopolysaccharidosis type 4B; Mucopolysaccharidosis type IVB (Morquio). Identifiers: Orphanet 309310, Orphanet 582, MedGen C0086652, MONDO:0009660, OMIM 253010.
GM1 gangliosidosis type 2. Also called: GM1-GANGLIOSIDOSIS, TYPE II; Gangliosidosis, Generalized GM1, Type 2; GANGLIOSIDOSIS, GENERALIZED GM1, JUVENILE TYPE; GANGLIOSIDOSIS, GENERALIZED GM1, TYPE II; Juvenile GM>1< gangliosidosis. Identifiers: Orphanet 354, Orphanet 79256, MedGen C0268272, MONDO:0009261, OMIM 230600.
GM1 gangliosidosis type 3. Also called: Gangliosidosis, Generalized GM1, Type 3; GM1-GANGLIOSIDOSIS, TYPE III; GANGLIOSIDOSIS, GENERALIZED GM1, ADULT TYPE; GANGLIOSIDOSIS, GENERALIZED GM1, CHRONIC TYPE; GANGLIOSIDOSIS, GENERALIZED GM1, TYPE III; Beta-galactosidase deficiency. Identifiers: Orphanet 79257, MedGen C0268273, MONDO:0009262, OMIM 230650.
GM1 gangliosidosis. Identifiers: Orphanet 354, MedGen C0085131, MONDO:0018149.

Submissions (10):

Labcorp Genetics (formerly Invitae), Labcorp
Classification: Pathogenic for Mucopolysaccharidosis, MPS-IV-B; GM1 gangliosidosis. Last evaluated: 2026-01-28. Review status: criteria provided, single submitter. Criteria: Invitae Variant Classification Sherloc (09022015). Collection method: clinical testing. Allele origin: germline.
Comment: This sequence change replaces tryptophan, which is neutral and slightly polar, with leucine, which is neutral and non-polar, at codon 273 of the GLB1 protein (p.Trp273Leu). This variant is present in population databases (no rsID available, gnomAD 0.006%). This missense change has been observed in individuals with Morquio B disease (PMID: 1928092, 11511921, 19472408, 21497194). It has also been observed to segregate with disease in related individuals. ClinVar contains an entry for this variant (Variation ID: 568792). An algorithm developed to predict the effect of missense changes on protein structure and function (PolyPhen-2) suggests that this variant is likely to be disruptive. Experimental studies have shown that this missense change affects GLB1 function (PMID: 19472408). This variant disrupts the p.Trp273 amino acid residue in GLB1. Other variant(s) that disrupt this residue have been observed in individuals with GLB1-related conditions (PMID: 18546276), which suggests that this may be a clinically significant amino acid residue. For these reasons, this variant has been classified as Pathogenic.

Natera, Inc.
Classification: Pathogenic for Mucopolysaccharidosis, MPS-IV-B. Last evaluated: 2026-01-22. Review status: criteria provided, single submitter. Criteria: Natera Variant Classification Schema (03/2026). Collection method: clinical testing. Allele origin: germline.
Comment: The c.817_818delTGinsCT variant in GLB1 is a deletion-insertion (delins) variant predicted to replace one or more nucleotides with a different sequence. This variant is rare in the general population with a frequency below the threshold expected for the associated phenotype(s). This variant has been observed in one or more individuals affected with the associated recessive disease, as either homozygous or compound heterozygous with a second variant (PMID: 21497194, 33737400). Computational prediction algorithms indicate this variant is likely to affect gene or protein function. Given the available evidence, this variant is classified as Pathogenic.

GeneDx
Classification: Pathogenic. Last evaluated: 2025-07-22. Review status: criteria provided, single submitter. Criteria: GeneDx Variant Classification Process June 2021. Collection method: clinical testing. Allele origin: germline. Affected: yes.
Comment: Published functional studies demonstrate a damaging effect on beta-galactosidase activity (PMID: 19472408); In silico analysis supports a deleterious effect on protein structure/function; This variant is associated with the following publications: (PMID: 33737400, 21497194, 16617000, 30548430, 1928092, 26990548, 33558080, 30809705, 33266180, 31589614, Ishii1995[FunctionalStudy], 19472408, 11511921)

Variantyx, Inc.
Classification: Pathogenic for Infantile GM1 gangliosidosis. Last evaluated: 2025-06-06. Review status: criteria provided, single submitter. Criteria: Variantyx Assertion Criteria 2022. Collection method: clinical testing. Allele origin: germline. Inheritance: Autosomal recessive inheritance. Affected: no.
Comment: This is a nonsynonymous variant in the GLB1 gene (OMIM: 611458). Pathogenic variants in this gene have been associated with autosomal recessive GM1-gangliosidosis, type I. This variant has been identified in the homozygous or compound heterozygous state in multiple individuals reported in the published literature (PMID: 1928092, 11511921, 30809705, 30548430) (PM3_Strong). Functional studies have shown that this variant alters GLB1 protein function (PMID: 1928092) (PS3_Moderate), and multiple computational algorithms predict a deleterious effect for this variant (REVEL score: 0.98) (PP3). Moreover, the alteration lies within a known hotspot for pathogenic variants or a well-established critical functional domain of the GLB1 protein (PMID: 11511921, 15714521, 10571006, 19472408) (PM1). This variant has a 0.0117% maximum allele frequency in non-founder control populations (PM2). Based on the current evidence, this variant is classified as pathogenic for autosomal recessive GM1-gangliosidosis, type I.

3billion
Classification: Pathogenic for Mucopolysaccharidosis, MPS-IV-B. Last evaluated: 2025-02-06. Review status: criteria provided, single submitter. Criteria: ACMG Guidelines, 2015. Collection method: clinical testing. Allele origin: germline. Affected: yes.

Fulgent Genetics
Classification: Pathogenic for Infantile GM1 gangliosidosis; GM1 gangliosidosis type 2; GM1 gangliosidosis type 3; Mucopolysaccharidosis, MPS-IV-B. Last evaluated: 2024-03-29. Review status: criteria provided, single submitter. Criteria: ACMG Guidelines, 2015. Collection method: clinical testing. Allele origin: germline.

Genetic Services Laboratory, University of Chicago
Classification: Likely pathogenic. Last evaluated: 2024-01-23. Review status: criteria provided, single submitter. Criteria: ACMG Guidelines, 2015. Collection method: clinical testing. Allele origin: germline. Affected: yes.
Comment: DNA sequence analysis of the GLB1 gene demonstrated a deletion and insertion of two base pairs in exon 8, c.817_818delinsCT. This in-frame deletion/insertion is predicted to result in a missense change, p.Trp273Leu. The p.Trp273Leu change affects a highly conserved amino acid residue located in a domain of the GLB1 protein that is known to be functional. In-silico pathogenicity prediction tools (SIFT, PolyPhen2, Align GVGD, REVEL) provide contradictory results for the p.Trp273Leu substitution. This amino acid change has been described in the literature in individuals with Morquio B disease (PMID: 1928092, 11511921, 19472408, 21497194). Functional studies using transfected COS-1 cells have shown that this sequence change has an impact on GLB1 function, affecting its catalytic activity (PMID: 19472408). This sequence change has been described in the gnomAD database in 14 individuals (dbSNP rs1559401428). Collectively, this evidence indicates that this sequence change is likely pathogenic.

CeGaT Center for Human Genetics Tuebingen
Classification: Pathogenic. Last evaluated: 2020-11-01. Review status: criteria provided, single submitter. Criteria: CeGaT Center For Human Genetics Tuebingen Variant Classification Criteria Version 2. Collection method: clinical testing. Allele origin: germline. Affected: yes. Observed: 1 variant allele.

Laboratory of Diagnosis and Therapy of Lysosomal Disorders, University of Padova
Classification: Likely pathogenic for Mucopolysaccharidosis, MPS-IV-B. Last evaluated: 2019-01-01. Review status: criteria provided, single submitter. Criteria: ACMG Guidelines, 2015. Collection method: literature only. Allele origin: germline. Affected: yes.
Comment: PS3: In vitro functional study - low to no enzyme activity. PM2: Absent from GnomAD

GeneReviews
No classification provided. Condition: Infantile GM1 gangliosidosis. Review status: no classification provided. Collection method: literature only. Allele origin: germline. Not counted in ClinVar's aggregate classification.
Comment: MPS IVB, located in highly conserved region of ligand-binding pocket; causes skeletal dysostosis w/o neurologic involvement

Literature cited by the submitters: PubMed 1928092 (cited by 4 submitters); PubMed 11511921 (cited by Labcorp Genetics (formerly Invitae), Labcorp and Variantyx, Inc.); PubMed 19472408 (cited by Labcorp Genetics (formerly Invitae), Labcorp and Variantyx, Inc.); PubMed 21497194 (cited by Labcorp Genetics (formerly Invitae), Labcorp and Natera, Inc.); PubMed 18546276 (cited by Labcorp Genetics (formerly Invitae), Labcorp and 3billion); PubMed 33737400 (cited by Natera, Inc.); PubMed 15714521 (cited by Variantyx, Inc.); PubMed 10571006 (cited by Variantyx, Inc.); PubMed 30809705 (cited by Variantyx, Inc. and Laboratory of Diagnosis and Therapy of Lysosomal Disorders, University of Padova); PubMed 30548430 (cited by Variantyx, Inc.); PubMed 33266180 (cited by GeneReviews).

NM_000404.4(GLB1):c.817_818delinsCT (p.Trp273Leu)

Gene: GLB1 (galactosidase beta 1; minus strand). Cytogenetic location: 3p22.3.
Variant type: Indel.
Coding change: c.817_818delinsCT on transcript NM_000404.4 (MANE Select); coding-DNA positions 817 to 818, TG replaced by CT.
Protein change: p.Trp273Leu; replaces tryptophan 273 with leucine.
Molecular consequence: missense variant.
Genome position (GRCh38, 1-based): chr3:33,051,979-33,051,980, CA replaced by AG on the plus strand (TG replaced by CT on the coding strand, the reverse complement: GLB1 is on the minus strand). VCF-style: chr3-33051979-CA-AG. GRCh37 (hg19) VCF-style: chr3-33093471-CA-AG.
Other names: 851-852TG>CT; c.817_818delTGinsCT (NM_000404.3, NM_000404.4); c.817_818delinsCT (NM_000404.2); c.727_728delinsCT, p.Trp243Leu (NM_001079811.3); c.424_425delinsCT, p.Trp142Leu (NM_001135602.3); c.961_962delinsCT, p.Trp321Leu (NM_001317040.2); c.817_818delinsCT, p.Trp273Leu (NM_001393580.1); short protein forms W273L, W142L, W243L, W321L.
Identifiers: ClinVar variation 568792 (VCV000568792.49), dbSNP rs1559401428, ClinGen allele CA891843340.
Genomic context (GRCh38, chr3:33,051,979, plus strand): 5'-AGGGAGGAAGCCACTGCTTCGGTCTTGATTGTGGAGTGAGGTTGGCCCCAGTGATCTAGC[CA>AG]GCCAGTATAGAATTCAGAATTGATCTAAAACAAAAAAAGAACGTAGCCCTTAGGATAGAC-3'
Protein context (NP_000395.3, residues 263-283): PLINSEFYTG[Trp273Leu]LDHWGQPHST